The following is an entry in ClinVar:

NM_001372.4(DNAH9):c.12843+1G>A

Gene: DNAH9 (dynein axonemal heavy chain 9; plus strand). Cytogenetic location: 17p12.
Variant type: single nucleotide variant.
Coding change: c.12843+1G>A on transcript NM_001372.4 (MANE Select); the canonical splice donor site of the intron after coding-DNA position 12843, G replaced by A.
Molecular consequence: splice donor variant.
Genome position (GRCh38, 1-based): chr17:11,942,486, G>A. VCF-style: chr17-11942486-G-A. GRCh37 (hg19) VCF-style: chr17-11845803-G-A.
Other names: c.1779+1G>A (NM_004662.2).
Identifiers: ClinVar variation 4776070 (VCV004776070.1).

ClinVar aggregate classification (germline): Likely pathogenic (1 of 4 stars; one submission).

gnomAD v4.1: 22 of 1,613,088 alleles (0.0014%); highest among the groups gnomAD compares: Non-Finnish European, 0.0019%; no homozygotes.

Submission:

Labcorp Genetics (formerly Invitae), Labcorp
Classification: Likely pathogenic. Last evaluated: 2025-08-23. Review status: criteria provided, single submitter. Criteria: Invitae Variant Classification Sherloc (09022015). Collection method: clinical testing. Allele origin: germline.
Comment: This sequence change affects a donor splice site in intron 67 of the DNAH9 gene. It is expected to disrupt RNA splicing. Variants that disrupt the donor or acceptor splice site typically lead to a loss of protein function (PMID: 16199547), and loss-of-function variants in DNAH9 are known to be pathogenic (PMID: 30471718). This variant is present in population databases (rs780282416, gnomAD 0.0009%). This variant has not been reported in the literature in individuals affected with DNAH9-related conditions. Algorithms developed to predict the effect of sequence changes on RNA splicing suggest that this variant may disrupt the consensus splice site. In summary, the currently available evidence indicates that the variant is pathogenic, but additional data are needed to prove that conclusively. Therefore, this variant has been classified as Likely Pathogenic.

Literature cited by the submitters: PubMed 16199547; PubMed 30471718.